The following is an entry in ClinVar:

NM_001130823.3(DNMT1):c.4773+97C>A

Genes: DNMT1 (DNA methyltransferase 1; minus strand), LOC126862853 (CDK7 strongly-dependent group 2 enhancer GRCh37_chr19:10246117-10247316; plus strand). Cytogenetic location: 19p13.2.
Variant type: single nucleotide variant.
Coding change: c.4773+97C>A on transcript NM_001130823.3 (MANE Select); 97 bases into the intron after coding-DNA position 4773, C replaced by A.
Molecular consequence: intron variant.
Genome position (GRCh38, 1-based): chr19:10,135,639, G>T on the plus strand (C>A on the coding strand, the complement: DNMT1 is on the minus strand). VCF-style: chr19-10135639-G-T. GRCh37 (hg19) VCF-style: chr19-10246315-G-T.
Other names: c.4410+97C>A (NM_001318731.2); c.4725+97C>A (NM_001379.4); c.4734+97C>A (NM_001318730.2).
Identifiers: ClinVar variation 1195186 (VCV001195186.26), dbSNP rs190816746, ClinGen allele CA9187414.

ClinVar aggregate classification (germline): Likely benign. Review status: criteria provided, multiple submitters, no conflicts (2 of 4 stars). 2 submissions from 2 submitters: Likely benign (2). Last evaluated 2026-05-01.

Allele frequency attached by ClinVar (database versions not stated): 1000 Genomes Project 30x 0.00094; 1000 Genomes Project 0.00120.
gnomAD v4.1: 2,011 of 1,311,992 alleles (0.15%); highest among the groups gnomAD compares: Middle Eastern, 0.099%; 32 homozygotes.

Submissions (2):

CeGaT Center for Human Genetics Tuebingen
Classification: Likely benign. Last evaluated: 2026-05-01. Review status: criteria provided, single submitter. Criteria: CeGaT Center For Human Genetics Tuebingen Variant Classification Criteria Version 2. Collection method: clinical testing. Allele origin: germline. Affected: yes. Observed: 7 variant alleles.
Comment: DNMT1: PP2, BS1

GeneDx
Classification: Likely benign. Last evaluated: 2019-11-13. Review status: criteria provided, single submitter. Criteria: GeneDx Variant Classification Process June 2021. Collection method: clinical testing. Allele origin: germline. Affected: yes.